The following is an entry in ClinVar:

ClinVar aggregate classification (germline): Uncertain significance (1 of 4 stars; one submission).

Conditions:
Andersen Tawil syndrome (LQT7). Also called: ANDERSEN CARDIODYSRHYTHMIC PERIODIC PARALYSIS; LONG QT SYNDROME 7; PERIODIC PARALYSIS, POTASSIUM-SENSITIVE CARDIODYSRHYTHMIC TYPE; Andersen Syndrome; Potassium-sensitive periodic paralysis, ventricular ectopy, and dysmorphic features. Identifiers: Orphanet 37553, MedGen C1563715, MONDO:0008222, OMIM 170390.
Short QT syndrome type 3. Identifiers: Orphanet 51083, MedGen C1865018, MONDO:0012314, OMIM 609622.

Submission:

Labcorp Genetics (formerly Invitae), Labcorp
Classification: Uncertain significance for Short QT syndrome type 3; Andersen Tawil syndrome. Last evaluated: 2023-03-23. Review status: criteria provided, single submitter. Criteria: Invitae Variant Classification Sherloc (09022015). Collection method: clinical testing. Allele origin: germline.
Comment: Advanced modeling of protein sequence and biophysical properties (such as structural, functional, and spatial information, amino acid conservation, physicochemical variation, residue mobility, and thermodynamic stability) performed at Invitae indicates that this missense variant is not expected to disrupt KCNJ2 protein function. In summary, the available evidence is currently insufficient to determine the role of this variant in disease. Therefore, it has been classified as a Variant of Uncertain Significance. This variant has not been reported in the literature in individuals affected with KCNJ2-related conditions. This variant is not present in population databases (gnomAD no frequency). This sequence change replaces isoleucine, which is neutral and non-polar, with valine, which is neutral and non-polar, at codon 72 of the KCNJ2 protein (p.Ile72Val).

NM_000891.3(KCNJ2):c.214A>G (p.Ile72Val)

Gene: KCNJ2 (potassium inwardly rectifying channel subfamily J member 2; plus strand). Cytogenetic location: 17q24.3.
Variant type: single nucleotide variant.
Coding change: c.214A>G on transcript NM_000891.3 (MANE Select); coding-DNA position 214, A replaced by G.
Protein change: p.Ile72Val; replaces isoleucine 72 with valine.
Molecular consequence: missense variant.
Genome position (GRCh38, 1-based): chr17:70,175,253, A>G. VCF-style: chr17-70175253-A-G. GRCh37 (hg19) VCF-style: chr17-68171394-A-G.
Other names: short protein forms I72V.
Identifiers: ClinVar variation 2945701 (VCV002945701.3), dbSNP rs1567822926, ClinGen allele CA400860117.